The following is an entry in ClinVar:

ClinVar aggregate classification (germline): Uncertain significance (1 of 4 stars; one submission).

Conditions:
Mucopolysaccharidosis, MPS-III-A (MPS3A). Also called: HEPARAN SULFATE SULFATASE DEFICIENCY; SANFILIPPO SYNDROME A; SULFAMIDASE DEFICIENCY; MPS III A; Mucopolysaccharidosis, type IIIA; MUCOPOLYSACCHARIDOSIS, TYPE IIIA, ATTENUATED. Identifiers: Orphanet 581, Orphanet 79269, MedGen C0086647, MONDO:0009655, OMIM 252900.

gnomAD v4.1: 3 of 1,518,384 alleles (0.0002%); highest among the groups gnomAD compares: Non-Finnish European, 0.00026%; no homozygotes.

Submission:

Labcorp Genetics (formerly Invitae), Labcorp
Classification: Uncertain significance for Mucopolysaccharidosis, MPS-III-A. Last evaluated: 2025-12-22. Review status: criteria provided, single submitter. Criteria: Invitae Variant Classification Sherloc (09022015). Collection method: clinical testing. Allele origin: germline.
Comment: This sequence change affects codon 30 of the SGSH mRNA. It is a 'silent' change, meaning that it does not change the encoded amino acid sequence of the SGSH protein. This variant also falls at the last nucleotide of exon 1, which is part of the consensus splice site for this exon. The frequency data for this variant in the population databases is considered unreliable, as metrics indicate poor data quality at this position in the gnomAD database. This variant has not been reported in the literature in individuals affected with SGSH-related conditions. ClinVar contains an entry for this variant (Variation ID: 2165885). Invitae Evidence Modeling of protein sequence and biophysical properties (such as structural, functional, and spatial information, amino acid conservation, physicochemical variation, residue mobility, and thermodynamic stability) has been performed for this missense variant. However, the output from this modeling did not meet the statistical confidence thresholds required to predict the impact of this variant on SGSH protein function. Variants that disrupt the consensus splice site are a relatively common cause of aberrant splicing (PMID: 17576681, 9536098). Algorithms developed to predict the effect of sequence changes on RNA splicing suggest that this variant may disrupt the consensus splice site. This variant disrupts the c.88G nucleotide in the SGSH gene. Other variant(s) that disrupt this nucleotide have been determined to be pathogenic (PMID: 22976768, 26331342). This suggests that this nucleotide is clinically significant, and that variants that disrupt this position are likely to be disease-causing. In summary, the available evidence is currently insufficient to determine the role of this variant in disease. Therefore, it has been classified as a Variant of Uncertain Significance.

Literature cited by the submitters: PubMed 17576681; PubMed 9536098; PubMed 22976768; PubMed 26331342.

NM_000199.5(SGSH):c.88G>T (p.Ala30Ser)

Gene: SGSH (N-sulfoglucosamine sulfohydrolase; minus strand). Cytogenetic location: 17q25.3.
Variant type: single nucleotide variant.
Coding change: c.88G>T on transcript NM_000199.5 (MANE Select); coding-DNA position 88, G replaced by T.
Protein change: p.Ala30Ser; replaces alanine 30 with serine.
Molecular consequence: missense variant. On other transcripts: non-coding transcript variant (1).
Genome position (GRCh38, 1-based): chr17:80,220,226, C>A on the plus strand (G>T on the coding strand, the complement: SGSH is on the minus strand). VCF-style: chr17-80220226-C-A. GRCh37 (hg19) VCF-style: chr17-78194025-C-A.
Other names: c.88G>T, p.Ala30Ser (NM_001352921.3, NM_001352922.2); short protein forms A30S.
Identifiers: ClinVar variation 2165885 (VCV002165885.2), dbSNP rs758793075, ClinGen allele CA401365446.